The following is an entry in ClinVar:

NM_004230.4(S1PR2):c.1050C>T (p.Asn350=)

Gene: S1PR2 (sphingosine-1-phosphate receptor 2; minus strand). Cytogenetic location: 19p13.2.
Variant type: single nucleotide variant.
Coding change: c.1050C>T on transcript NM_004230.4 (MANE Select); coding-DNA position 1050, C replaced by T.
Protein change: p.Asn350=; no amino-acid change (asparagine 350 retained).
Molecular consequence: synonymous variant.
Genome position (GRCh38, 1-based): chr19:10,223,856, G>A on the plus strand (C>T on the coding strand, the complement: S1PR2 is on the minus strand). VCF-style: chr19-10223856-G-A. GRCh37 (hg19) VCF-style: chr19-10334532-G-A.
Identifiers: ClinVar variation 506084 (VCV000506084.19), dbSNP rs116191851, ClinGen allele CA9188943.

ClinVar aggregate classification (germline): Benign. Review status: criteria provided, multiple submitters, no conflicts (2 of 4 stars). 6 submissions from 6 submitters: Benign (5). 1 of the submissions does not count toward it. Last evaluated 2026-01-19.

Conditions:
S1PR2-related disorder. Also called: S1PR2-related condition.

Allele frequency attached by ClinVar (database versions not stated): gnomAD exomes 0.00252 and 0.00812; ExAC 0.00894; gnomAD 0.02657 and 0.02875; 1000 Genomes Project 0.02676; 1000 Genomes Project 30x 0.02780; TOPMed 0.03049; ESP Exome Variant Server 0.03146.
gnomAD v4.1: 7,716 of 1,541,202 alleles (0.5%); highest among the groups gnomAD compares: African/African-American, 9.4%; 359 homozygotes.

Submissions (6):

Labcorp Genetics (formerly Invitae), Labcorp
Classification: Benign. Last evaluated: 2026-01-19. Review status: criteria provided, single submitter. Criteria: Invitae Variant Classification Sherloc (09022015). Collection method: clinical testing. Allele origin: germline.

Athena Diagnostics
Classification: Benign. Last evaluated: 2018-05-23. Review status: criteria provided, single submitter. Criteria: Athena Diagnostics Criteria. Collection method: clinical testing. Allele origin: germline.

GeneDx
Classification: Benign. Last evaluated: 2018-01-08. Review status: criteria provided, single submitter. Criteria: GeneDx Variant Classification (06012015). Collection method: clinical testing. Allele origin: germline. Affected: yes.
Comment: This variant is considered likely benign or benign based on one or more of the following criteria: it is a conservative change, it occurs at a poorly conserved position in the protein, it is predicted to be benign by multiple in silico algorithms, and/or has population frequency not consistent with disease.

Laboratory for Molecular Medicine, Mass General Brigham Personalized Medicine
Classification: Benign. Last evaluated: 2017-08-23. Review status: criteria provided, single submitter. Criteria: LMM Criteria. Collection method: clinical testing. Allele origin: germline. Observed: 5 variant alleles.
Comment: p.Asn350Asn in exon 2 of S1PR2: This variant is not expected to have clinical si gnificance because it does not alter an amino acid residue, is not located withi n the splice consensus sequence, and has been identified in 9.70% (902/9302) of African chromosomes by the Exome Aggregation Consortium (ExAC; dbSNP rs116191851).

Breakthrough Genomics
Classification: Benign. Review status: criteria provided, single submitter. Criteria: ACMG Guidelines, 2015. Collection method: not provided. Allele origin: germline. Inheritance: Autosomal recessive inheritance. Affected: yes.

PreventionGenetics, part of Exact Sciences
Classification: Benign for S1PR2-related condition. Last evaluated: 2019-08-01. Review status: no assertion criteria provided. Collection method: clinical testing. Allele origin: germline. Not counted in ClinVar's aggregate classification.
Comment: This variant is classified as benign based on ACMG/AMP sequence variant interpretation guidelines (Richards et al. 2015 PMID: 25741868, with internal and published modifications).